The following is an entry in ClinVar:

ClinVar aggregate classification (germline): Uncertain significance (1 of 4 stars; one submission).

Conditions:
Adenylosuccinate lyase deficiency (ADSLD). Also called: ADSL DEFICIENCY. Identifiers: Orphanet 46, MedGen C0268126, MONDO:0007068, OMIM 103050.

Allele frequency attached by ClinVar (database versions not stated): gnomAD exomes below 0.00001.

Submission:

Labcorp Genetics (formerly Invitae), Labcorp
Classification: Uncertain significance for Adenylosuccinate lyase deficiency. Last evaluated: 2026-01-06. Review status: criteria provided, single submitter. Criteria: Invitae Variant Classification Sherloc (09022015). Collection method: clinical testing. Allele origin: germline.
Comment: This variant occurs in a non-coding region of the ADSL gene. It does not change the encoded amino acid sequence of the ADSL protein. This variant is not present in population databases (gnomAD no frequency). This variant has not been reported in the literature in individuals affected with ADSL-related conditions. Experimental studies and prediction algorithms are not available or were not evaluated, and the functional significance of this variant is currently unknown. In summary, the available evidence is currently insufficient to determine the role of this variant in disease. Therefore, it has been classified as a Variant of Uncertain Significance.

NC_000022.11:g.40346465G>A

Gene: ADSL (adenylosuccinate lyase; plus strand). Cytogenetic location: 22q13.1.
Variant type: single nucleotide variant.
Genome position: GRCh38 VCF-style: chr22-40346465-G-A. GRCh37 (hg19) VCF-style: chr22-40742469-G-A.
Identifiers: ClinVar variation 2114951 (VCV002114951.5), dbSNP rs2518077036, ClinGen allele CA658240031.